The following is an entry in ClinVar:

ClinVar aggregate classification (germline): Uncertain significance (1 of 4 stars; one submission).

Conditions:
Cardiovascular phenotype. Identifiers: MedGen CN230736.

Submission:

Ambry Genetics
Classification: Uncertain significance for Cardiovascular phenotype. Last evaluated: 2026-06-20. Review status: criteria provided, single submitter. Criteria: Ambry Variant Classification Scheme 2023. Collection method: clinical testing. Allele origin: germline.
Comment: The p.A480T variant (also known as c.1438G>A), located in coding exon 12 of the JAG1 gene, results from a G to A substitution at nucleotide position 1438. The alanine at codon 480 is replaced by threonine, an amino acid with similar properties. This amino acid position is conserved. In addition, this alteration is predicted to be tolerated by in silico analysis. Based on the available evidence, the clinical significance of this variant remains unclear.

NM_000214.3(JAG1):c.1438G>A (p.Ala480Thr)

Gene: JAG1 (jagged canonical Notch ligand 1; minus strand). Cytogenetic location: 20p12.2.
Variant type: single nucleotide variant.
Coding change: c.1438G>A on transcript NM_000214.3 (MANE Select); coding-DNA position 1438, G replaced by A.
Protein change: p.Ala480Thr; replaces alanine 480 with threonine.
Molecular consequence: missense variant.
Genome position (GRCh38, 1-based): chr20:10,648,680, C>T on the plus strand (G>A on the coding strand, the complement: JAG1 is on the minus strand). VCF-style: chr20-10648680-C-T. GRCh37 (hg19) VCF-style: chr20-10629328-C-T.
Other names: short protein forms A480T.
Identifiers: ClinVar variation 5022873 (VCV005022873.1).